The following is an entry in ClinVar:

NM_004463.3(FGD1):c.1654G>A (p.Ala552Thr)

Gene: FGD1 (FYVE, RhoGEF and PH domain containing 1; minus strand). Cytogenetic location: Xp11.22.
Variant type: single nucleotide variant.
Coding change: c.1654G>A on transcript NM_004463.3 (MANE Select); coding-DNA position 1654, G replaced by A.
Protein change: p.Ala552Thr; replaces alanine 552 with threonine.
Molecular consequence: missense variant.
Genome position (GRCh38, 1-based): chrX:54,456,550, C>T on the plus strand (G>A on the coding strand, the complement: FGD1 is on the minus strand). VCF-style: chrX-54456550-C-T. GRCh37 (hg19) VCF-style: chrX-54482983-C-T.
Other names: short protein forms A552T.
Identifiers: ClinVar variation 3695920 (VCV003695920.2).
Genomic context (GRCh38, chrX:54,456,550, plus strand): 5'-GGCTAGAAGGGCCACTCACCATTTTGCGGATGGCAGCATTCGAGTGCTCTGCTGCTGTGG[C>T]GATCAGCTCCAGAGACTCTACAGGCATAGAGGGGTGAGGTCAGATGGGGGACTAGCAGAG-3'
Protein context (NP_004454.2, residues 542-562): KDAQKSLELI[Ala552Thr]TAAEHSNAAI

ClinVar aggregate classification (germline): Uncertain significance (1 of 4 stars; one submission).

gnomAD v4.1: 2 of 1,210,356 alleles (0.00017%); highest among the groups gnomAD compares: Non-Finnish European, 0.00022%; no homozygotes.

Submission:

Labcorp Genetics (formerly Invitae), Labcorp
Classification: Uncertain significance. Last evaluated: 2025-10-27. Review status: criteria provided, single submitter. Criteria: Invitae Variant Classification Sherloc (09022015). Collection method: clinical testing. Allele origin: germline.
Comment: This sequence change replaces alanine, which is neutral and non-polar, with threonine, which is neutral and polar, at codon 552 of the FGD1 protein (p.Ala552Thr). This variant is not present in population databases (gnomAD no frequency). This variant has not been reported in the literature in individuals affected with FGD1-related conditions. ClinVar contains an entry for this variant (Variation ID: 3695920). Invitae Evidence Modeling of protein sequence and biophysical properties (such as structural, functional, and spatial information, amino acid conservation, physicochemical variation, residue mobility, and thermodynamic stability) indicates that this missense variant is not expected to disrupt FGD1 protein function with a negative predictive value of 95%. In summary, the available evidence is currently insufficient to determine the role of this variant in disease. Therefore, it has been classified as a Variant of Uncertain Significance.